The following is an entry in ClinVar:

NM_001163941.2(ABCB5):c.1659T>G (p.Ser553=)

Gene: ABCB5 (ATP binding cassette subfamily B member 5; plus strand). Cytogenetic location: 7p21.1.
Variant type: single nucleotide variant.
Coding change: c.1659T>G on transcript NM_001163941.2 (MANE Select); coding-DNA position 1659, T replaced by G.
Protein change: p.Ser553=; no amino-acid change (serine 553 retained).
Molecular consequence: synonymous variant.
Genome position (GRCh38, 1-based): chr7:20,658,628, T>G. VCF-style: chr7-20658628-T-G. GRCh37 (hg19) VCF-style: chr7-20698251-T-G.
Other names: c.324T>G, p.Ser108= (NM_001163942.2, NM_001163993.3, NM_178559.6).
Identifiers: ClinVar variation 2657334 (VCV002657334.24), dbSNP rs78859324, ClinGen allele CA4176951.

ClinVar aggregate classification (germline): Likely benign (1 of 4 stars; one submission).

Allele frequency attached by ClinVar (database versions not stated): gnomAD exomes 0.00025; ExAC 0.00088; ESP Exome Variant Server 0.00261; gnomAD 0.00282; TOPMed 0.00297; 1000 Genomes Project 30x 0.00328; 1000 Genomes Project 0.00339.
gnomAD v4.1: 812 of 1,614,194 alleles (0.05%); highest among the groups gnomAD compares: African/African-American, 0.98%; 5 homozygotes.

Submission:

CeGaT Center for Human Genetics Tuebingen
Classification: Likely benign. Last evaluated: 2022-05-01. Review status: criteria provided, single submitter. Criteria: CeGaT Center For Human Genetics Tuebingen Variant Classification Criteria Version 2. Collection method: clinical testing. Allele origin: germline. Affected: yes. Observed: 1 variant allele.
Comment: ABCB5: BP4, BP7